The following is an entry in ClinVar:

NM_001267550.2(TTN):c.8764G>T (p.Glu2922Ter)

Gene: TTN (titin; minus strand). Cytogenetic location: 2q31.2.
Variant type: single nucleotide variant.
Coding change: c.8764G>T on transcript NM_001267550.2 (MANE Select); coding-DNA position 8764, G replaced by T.
Protein change: p.Glu2922Ter; replaces glutamic acid 2922 with a stop codon.
Molecular consequence: nonsense.
Genome position (GRCh38, 1-based): chr2:178,769,817, C>A on the plus strand (G>T on the coding strand, the complement: TTN is on the minus strand). VCF-style: chr2-178769817-C-A. GRCh37 (hg19) VCF-style: chr2-179634544-C-A.
Other names: c.8626G>T, p.Glu2876Ter (NM_133432.3, NM_133437.4, NM_003319.4); c.8764G>T, p.Glu2922Ter (NM_001256850.1, NM_133378.4, NM_133379.5); short protein forms E2876*, E2922*.
Identifiers: ClinVar variation 3764700 (VCV003764700.3).

ClinVar aggregate classification (germline): Likely pathogenic (1 of 4 stars; one submission).

Conditions:
Dilated cardiomyopathy 1G (CMD1G). Identifiers: Orphanet 154, MedGen C1858763, MONDO:0011400, OMIM 604145.

Submission:

Juno Genomics, Hangzhou Juno Genomics, Inc
Classification: Likely pathogenic for Dilated cardiomyopathy 1G. Review status: criteria provided, single submitter. Criteria: ACMG Guidelines, 2015. Collection method: clinical testing. Allele origin: germline.
Comment: Absent from controls (or at extremely low frequency if recessive) in Genome Aggregation Database.;Null variant in a gene where loss of function (LOF) is a known mechanism of disease.